The following is an entry in ClinVar:

ClinVar aggregate classification (germline): Conflicting classifications of pathogenicity. Review status: criteria provided, conflicting classifications (1 of 4 stars). 2 submissions from 2 submitters: Uncertain significance (1); Benign (1). Last evaluated 2025-07-10.

Conditions:
Glycogen storage disease IV, classic hepatic. Also called: GSD IV, CLASSIC HEPATIC. Identifiers: MedGen C1856301.
Glycogen storage disease, type IV (GSD4). Also called: Glycogen storage disease due to glycogen branching enzyme deficiency; BRANCHER DEFICIENCY; CIRRHOSIS, FAMILIAL, WITH DEPOSITION OF ABNORMAL GLYCOGEN; GBE1 DEFICIENCY; GLYCOGEN BRANCHING ENZYME DEFICIENCY; GLYCOGENOSIS IV. Identifiers: Orphanet 367, MedGen C0017923, MONDO:0009292, OMIM 232500.

Allele frequency attached by ClinVar (database versions not stated): ExAC 0.00002.

Submissions (2):

Mayo Clinic Laboratories, Mayo Clinic
Classification: Uncertain significance. Last evaluated: 2025-07-10. Review status: criteria provided, single submitter. Criteria: ACMG Guidelines, 2015. Collection method: clinical testing. Allele origin: germline. Observed: 1 variant allele.
Comment: PP3

Labcorp Genetics (formerly Invitae), Labcorp
Classification: Benign for Glycogen storage disease, type IV; Glycogen storage disease IV, classic hepatic. Last evaluated: 2023-04-28. Review status: criteria provided, single submitter. Criteria: Invitae Variant Classification Sherloc (09022015). Collection method: clinical testing. Allele origin: germline.

NM_000158.4(GBE1):c.1010T>A (p.Phe337Tyr)

Gene: GBE1 (1,4-alpha-glucan branching enzyme 1; minus strand). Cytogenetic location: 3p12.2.
Variant type: single nucleotide variant.
Coding change: c.1010T>A on transcript NM_000158.4 (MANE Select); coding-DNA position 1010, T replaced by A.
Protein change: p.Phe337Tyr; replaces phenylalanine 337 with tyrosine.
Molecular consequence: missense variant.
Genome position (GRCh38, 1-based): chr3:81,594,006, A>T on the plus strand (T>A on the coding strand, the complement: GBE1 is on the minus strand). VCF-style: chr3-81594006-A-T. GRCh37 (hg19) VCF-style: chr3-81643157-A-T.
Other names: p.Phe337Tyr; short protein forms F337Y.
Identifiers: ClinVar variation 1982433 (VCV001982433.5), dbSNP rs765204887, ClinGen allele CA2499808.